The following is an entry in ClinVar:

NM_001429.4(EP300):c.730-5C>T

Gene: EP300 (EP300 lysine acetyltransferase; plus strand). Cytogenetic location: 22q13.2.
Variant type: single nucleotide variant.
Coding change: c.730-5C>T on transcript NM_001429.4 (MANE Select); 5 bases into the intron before coding-DNA position 730, C replaced by T.
Molecular consequence: intron variant.
Genome position (GRCh38, 1-based): chr22:41,125,859, C>T. VCF-style: chr22-41125859-C-T. GRCh37 (hg19) VCF-style: chr22-41521863-C-T.
Other names: c.730-5C>T (NM_001362843.2, NM_001429.3).
Identifiers: ClinVar variation 2152832 (VCV002152832.9), dbSNP rs371539664, ClinGen allele CA324517159.
Genomic context (GRCh38, chr22:41,125,859, plus strand): 5'-GAAAAGGAATAATAATGTCTTAAATTTTATTGCTTATTTTGTTTTCTTTTGTTTCTTACT[C>T]TTAGATGGGAATGATGAACAACCCCAATCCTTATGGTTCACCATATACTCAGAATCCTGG-3'

ClinVar aggregate classification (germline): Likely benign. Review status: criteria provided, multiple submitters, no conflicts (2 of 4 stars). 4 submissions from 4 submitters: Likely benign (2). 2 of the submissions do not count toward it. Last evaluated 2024-09-05.

Conditions:
Rubinstein-Taybi syndrome due to EP300 haploinsufficiency. Also called: EP300-Related Rubinstein-Taybi Syndrome; RUBINSTEIN-TAYBI SYNDROME 2. Identifiers: Orphanet 353284, Orphanet 783, MedGen C3150941, MONDO:0013364, OMIM 613684.
EP300-related disorder. Also called: EP300-related condition; EP300-related disorders.

Allele frequency attached by ClinVar (database versions not stated): gnomAD exomes below 0.00001.
gnomAD v4.1: 11 of 1,613,764 alleles (0.00068%); highest among the groups gnomAD compares: African/African-American, 0.012%; no homozygotes.

Submissions (4):

Labcorp Genetics (formerly Invitae), Labcorp
Classification: Likely benign for Rubinstein-Taybi syndrome due to EP300 haploinsufficiency. Last evaluated: 2024-09-05. Review status: criteria provided, single submitter. Criteria: Invitae Variant Classification Sherloc (09022015). Collection method: clinical testing. Allele origin: germline.

Blueprint Genetics
Classification: Likely benign. Last evaluated: 2024-07-19. Review status: criteria provided, single submitter. Criteria: ACMG Guidelines, 2015. Collection method: clinical testing. Allele origin: germline.

PreventionGenetics, part of Exact Sciences
Classification: Likely benign for EP300-related condition. Last evaluated: 2022-12-08. Review status: no assertion criteria provided. Collection method: clinical testing. Allele origin: germline. Not counted in ClinVar's aggregate classification.
Comment: This variant is classified as likely benign based on ACMG/AMP sequence variant interpretation guidelines (Richards et al. 2015 PMID: 25741868, with internal and published modifications).

Genetic Services Laboratory, University of Chicago
Classification: Likely benign. Last evaluated: 2022-08-06. Review status: no assertion criteria provided. Collection method: clinical testing. Allele origin: germline. Affected: no. Not counted in ClinVar's aggregate classification.